The following is an entry in ClinVar:

ClinVar aggregate classification (germline): Uncertain significance (1 of 4 stars; one submission).

Conditions:
Perlman syndrome (PRLMNS). Identifiers: Orphanet 2849, MedGen C0796113, MONDO:0009965, OMIM 267000.

Allele frequency attached by ClinVar (database versions not stated): TOPMed below 0.00001.

Submission:

Labcorp Genetics (formerly Invitae), Labcorp
Classification: Uncertain significance for Perlman syndrome. Last evaluated: 2019-09-17. Review status: criteria provided, single submitter. Criteria: Invitae Variant Classification Sherloc (09022015). Collection method: clinical testing. Allele origin: germline.
Comment: In summary, the available evidence is currently insufficient to determine the role of this variant in disease. Therefore, it has been classified as a Variant of Uncertain Significance. Algorithms developed to predict the effect of missense changes on protein structure and function output the following: SIFT: "Tolerated"; PolyPhen-2: "Benign"; Align-GVGD: "Class C0". The methionine amino acid residue is found in multiple mammalian species, suggesting that this missense change does not adversely affect protein function. These predictions have not been confirmed by published functional studies and their clinical significance is uncertain. This variant has not been reported in the literature in individuals with DIS3L2-related conditions. This variant is not present in population databases (ExAC no frequency). This sequence change replaces valine with methionine at codon 622 of the DIS3L2 protein (p.Val622Met). The valine residue is weakly conserved and there is a small physicochemical difference between valine and methionine.

NM_152383.5(DIS3L2):c.1864G>A (p.Val622Met)

Gene: DIS3L2 (DIS3 like 3'-5' exoribonuclease 2; plus strand). Cytogenetic location: 2q37.1.
Variant type: single nucleotide variant.
Coding change: c.1864G>A on transcript NM_152383.5 (MANE Select); coding-DNA position 1864, G replaced by A.
Protein change: p.Val622Met; replaces valine 622 with methionine.
Molecular consequence: missense variant. On other transcripts: non-coding transcript variant (2), intron variant (1).
Genome position (GRCh38, 1-based): chr2:232,329,937, G>A. VCF-style: chr2-232329937-G-A. GRCh37 (hg19) VCF-style: chr2-233194647-G-A.
Other names: c.1582-13408G>A (NM_001257281.2); short protein forms V622M.
Identifiers: ClinVar variation 961590 (VCV000961590.9), dbSNP rs1695687050, ClinGen allele CA350976180.